The following is an entry in ClinVar:

NM_005732.4(RAD50):c.2946del (p.Lys982_Val983insTer)

Gene: RAD50 (RAD50 double strand break repair protein; plus strand). Cytogenetic location: 5q31.1.
Variant type: Deletion.
Coding change: c.2946del on transcript NM_005732.4 (MANE Select); coding-DNA position 2946, one base deleted (A; older notation c.2946delA).
Protein change: p.Lys982_Val983insTer.
Molecular consequence: frameshift variant.
Genome position (GRCh38, 1-based): chr5:132,609,306, A deleted; the last of 3 consecutive A bases (chr5:132,609,304-132,609,306); deleting any one gives the same sequence. VCF-style (leftmost placement, unchanged base first): chr5-132609303-TA-T. GRCh37 (hg19) VCF-style: chr5-131944995-TA-T.
Identifiers: ClinVar variation 946795 (VCV000946795.8), dbSNP rs1751043025, ClinGen allele CA1139655882.

ClinVar aggregate classification (germline): Pathogenic (1 of 4 stars; one submission).

Conditions:
Hereditary cancer-predisposing syndrome. Also called: Hereditary neoplastic syndrome; Neoplastic Syndromes, Hereditary; Tumor predisposition; Hereditary Cancer Syndrome. Identifiers: Orphanet 140162, MedGen C0027672, MeSH D009386, MONDO:0015356.

Submission:

Labcorp Genetics (formerly Invitae), Labcorp
Classification: Pathogenic for Hereditary cancer-predisposing syndrome. Last evaluated: 2021-10-18. Review status: criteria provided, single submitter. Criteria: Invitae Variant Classification Sherloc (09022015). Collection method: clinical testing. Allele origin: germline.
Comment: For these reasons, this variant has been classified as Pathogenic. Loss-of-function variants in RAD50 are known to be pathogenic (PMID: 16385572, 19409520). This variant has not been reported in the literature in individuals with RAD50-related conditions. This variant is not present in population databases (ExAC no frequency). This sequence change creates a premature translational stop signal (p.Val983*) in the RAD50 gene. It is expected to result in an absent or disrupted protein product.

Literature cited by the submitters: PubMed 16385572; PubMed 19409520.